The following is an entry in ClinVar:

NM_000093.5(COL5A1):c.4796A>T (p.Glu1599Val)

Genes: COL5A1 (collagen type V alpha 1 chain; plus strand), LOC101448202 (uncharacterized LOC101448202; minus strand). Cytogenetic location: 9q34.3.
Variant type: single nucleotide variant.
Coding change: c.4796A>T on transcript NM_000093.5 (MANE Select); coding-DNA position 4796, A replaced by T.
Protein change: p.Glu1599Val; replaces glutamic acid 1599 with valine.
Molecular consequence: missense variant.
Genome position (GRCh38, 1-based): chr9:134,824,697, A>T. VCF-style: chr9-134824697-A-T. GRCh37 (hg19) VCF-style: chr9-137716543-A-T.
Other names: c.4796A>T, p.Glu1599Val (NM_001278074.1); c.4796A>T (NM_000093.3); short protein forms E1599V.
Identifiers: ClinVar variation 3623796 (VCV003623796.3).
Genomic context (GRCh38, chr9:134,824,697, plus strand): 5'-AGGCATCCAGGACGCGGCGGAACATCGACGCCAGCCAGCTGCTGGACGACGGGAATGGCG[A>T]GAACTACGTGGACTACGCGGACGGCATGGAAGAGATCTTCGGCTCTCTCAACTCTCTGAA-3'
Protein context (NP_000084.3, residues 1589-1609): ASQLLDDGNG[Glu1599Val]NYVDYADGME

ClinVar aggregate classification (germline): Uncertain significance. Review status: criteria provided, multiple submitters, no conflicts (2 of 4 stars). 2 submissions from 2 submitters: Uncertain significance (2). Last evaluated 2026-01-02.

Conditions:
Familial thoracic aortic aneurysm and aortic dissection (TAAD). Also called: Thoracic aortic aneurysms and dissections. Identifiers: Orphanet 91387, MedGen C4707243, MONDO:0019625.
Ehlers-Danlos syndrome, classic type, 1 (EDSCL1). Also called: EHLERS-DANLOS SYNDROME, GRAVIS TYPE; EHLERS-DANLOS SYNDROME, SEVERE CLASSIC TYPE; Ehlers-Danlos syndrome, type 1; Ehlers-Danlos Syndrome, Classic Type, COL5A1-Related; EDS I. Identifiers: MedGen C0268335, MONDO:0019567, OMIM 130000.

gnomAD v4.1: 3 of 1,614,232 alleles (0.00019%); no homozygotes.

Submissions (2):

Ambry Genetics
Classification: Uncertain significance for Familial thoracic aortic aneurysm and aortic dissection. Last evaluated: 2026-01-02. Review status: criteria provided, single submitter. Criteria: Ambry Variant Classification Scheme 2023. Collection method: clinical testing. Allele origin: germline.
Comment: The p.E1599V variant (also known as c.4796A>T), located in coding exon 62 of the COL5A1 gene, results from an A to T substitution at nucleotide position 4796. The glutamic acid at codon 1599 is replaced by valine, an amino acid with dissimilar properties. This amino acid position is conserved. In addition, the in silico prediction for this alteration is inconclusive. Based on the available evidence, the clinical significance of this variant remains unclear.

Labcorp Genetics (formerly Invitae), Labcorp
Classification: Uncertain significance for Ehlers-Danlos syndrome, classic type, 1. Last evaluated: 2025-01-08. Review status: criteria provided, single submitter. Criteria: Invitae Variant Classification Sherloc (09022015). Collection method: clinical testing. Allele origin: germline.
Comment: This sequence change replaces glutamic acid, which is acidic and polar, with valine, which is neutral and non-polar, at codon 1599 of the COL5A1 protein (p.Glu1599Val). This variant is not present in population databases (gnomAD no frequency). This variant has not been reported in the literature in individuals affected with COL5A1-related conditions. Invitae Evidence Modeling of protein sequence and biophysical properties (such as structural, functional, and spatial information, amino acid conservation, physicochemical variation, residue mobility, and thermodynamic stability) indicates that this missense variant is not expected to disrupt COL5A1 protein function with a negative predictive value of 95%. In summary, the available evidence is currently insufficient to determine the role of this variant in disease. Therefore, it has been classified as a Variant of Uncertain Significance.